The following is an entry in ClinVar:

NM_002109.6(HARS1):c.660G>A (p.Met220Ile)

Gene: HARS1 (histidyl-tRNA synthetase 1; minus strand). Cytogenetic location: 5q31.3.
Variant type: single nucleotide variant.
Coding change: c.660G>A on transcript NM_002109.6 (MANE Select); coding-DNA position 660, G replaced by A.
Protein change: p.Met220Ile; replaces methionine 220 with isoleucine.
Molecular consequence: missense variant.
Genome position (GRCh38, 1-based): chr5:140,677,724, C>T on the plus strand (G>A on the coding strand, the complement: HARS1 is on the minus strand). VCF-style: chr5-140677724-C-T. GRCh37 (hg19) VCF-style: chr5-140057309-C-T.
Other names: c.540G>A, p.Met180Ile (NM_001258040.3); c.600G>A, p.Met200Ile (NM_001258041.3); c.480G>A, p.Met160Ile (NM_001258042.3); c.438G>A, p.Met146Ile (NM_001289092.2); c.318G>A, p.Met106Ile (NM_001289093.2); c.573G>A, p.Met191Ile (NM_001289094.2); short protein forms M146I, M200I, M160I, M220I, M106I, M180I, M191I.
Identifiers: ClinVar variation 2885282 (VCV002885282.3), dbSNP rs2149824722, ClinGen allele CA361255056.

ClinVar aggregate classification (germline): Uncertain significance (1 of 4 stars; one submission).

Conditions:
Usher syndrome type 3B. Also called: USHER SYNDROME, TYPE IIIB. Identifiers: MedGen C3281066, MONDO:0013788, OMIM 614504.

Submission:

Labcorp Genetics (formerly Invitae), Labcorp
Classification: Uncertain significance for Usher syndrome type 3B. Last evaluated: 2026-01-05. Review status: criteria provided, single submitter. Criteria: Invitae Variant Classification Sherloc (09022015). Collection method: clinical testing. Allele origin: germline.
Comment: This sequence change replaces methionine, which is neutral and non-polar, with isoleucine, which is neutral and non-polar, at codon 220 of the HARS protein (p.Met220Ile). This variant is not present in population databases (gnomAD no frequency). This variant has not been reported in the literature in individuals affected with HARS-related conditions. ClinVar contains an entry for this variant (Variation ID: 2885282). Invitae Evidence Modeling of protein sequence and biophysical properties (such as structural, functional, and spatial information, amino acid conservation, physicochemical variation, residue mobility, and thermodynamic stability) indicates that this missense variant is not expected to disrupt HARS protein function with a negative predictive value of 80%. In summary, the available evidence is currently insufficient to determine the role of this variant in disease. Therefore, it has been classified as a Variant of Uncertain Significance.